The following is an entry in ClinVar:

NM_003865.3(HESX1):c.475C>T (p.Arg159Trp)

Gene: HESX1 (HESX homeobox 1; minus strand). Cytogenetic location: 3p14.3.
Variant type: single nucleotide variant.
Coding change: c.475C>T on transcript NM_003865.3 (MANE Select); coding-DNA position 475, C replaced by T.
Protein change: p.Arg159Trp; replaces arginine 159 with tryptophan.
Molecular consequence: missense variant. On other transcripts: non-coding transcript variant (1).
Genome position (GRCh38, 1-based): chr3:57,198,280, G>A on the plus strand (C>T on the coding strand, the complement: HESX1 is on the minus strand). VCF-style: chr3-57198280-G-A. GRCh37 (hg19) VCF-style: chr3-57232308-G-A.
Other names: c.475C>T, p.Arg159Trp (NM_001376058.1, NM_001376059.1, NM_001376060.1 and 1 more transcripts); short protein forms R159W.
Identifiers: ClinVar variation 1206790 (VCV001206790.19), dbSNP rs770886420, ClinGen allele CA2463234.
Genomic context (GRCh38, chr3:57,198,280, plus strand): 5'-AATTTTTTTTCGCCATTAGAAACTGTGATTCTCTATGGGACCTTTTCAGTTTTGCACGCC[G>A]ATTTTGAAACCAAATCTAAAGTTAAGGAAAAATAAAATAGGTCTCAGAAACATTATTTTA-3'
Protein context (NP_003856.1, residues 149-169): EDRIQIWFQN[Arg159Trp]RAKLKRSHRE

ClinVar aggregate classification (germline): Conflicting classifications of pathogenicity. Review status: criteria provided, conflicting classifications (1 of 4 stars). 7 submissions from 7 submitters: Likely pathogenic (4); Uncertain significance (1). 2 of the submissions do not count toward it. Last evaluated 2025-12-30.

Conditions:
HESX1-Related Disorders.
Septo-optic dysplasia sequence (SOD). Also called: DE MORSIER SYNDROME; Septo-optic dysplasia. Identifiers: Orphanet 3157, MedGen C0338503, MONDO:0008428, OMIM 182230, HP:0100842.
GROWTH HORMONE DEFICIENCY WITH PITUITARY ANOMALIES. Identifiers: MedGen C2750027, OMIM 182230.
HESX1-related disorder. Also called: HESX1-related condition.

Allele frequency attached by ClinVar (database versions not stated): gnomAD exomes 0.00016 and 0.00002; ExAC 0.00002; gnomAD 0.00003 and 0.00004; TOPMed 0.00004.
gnomAD v4.1: 233 of 1,612,574 alleles (0.014%); highest among the groups gnomAD compares: Non-Finnish European, 0.019%; no homozygotes.

Submissions (7):

GeneDx
Classification: Likely pathogenic. Last evaluated: 2025-12-30. Review status: criteria provided, single submitter. Criteria: GeneDx Variant Classification Process June 2021. Collection method: clinical testing. Allele origin: germline. Affected: yes.
Comment: Published functional studies demonstrate the p.R159W variant disrupts normal protein function (PMID: 27000987, 28396770); In silico analysis supports that this missense variant has a deleterious effect on protein structure/function; This variant is associated with the following publications: (PMID: 28396770, 31395954, 27000987)

Revvity Omics, Revvity
Classification: Likely pathogenic for Septo-optic dysplasia sequence. Last evaluated: 2025-07-18. Review status: criteria provided, single submitter. Criteria: ACMG Guidelines, 2015. Collection method: clinical testing. Allele origin: germline.

Women's Health and Genetics/Laboratory Corporation of America, LabCorp
Classification: Likely pathogenic for HESX1-Related Disorders. Last evaluated: 2024-10-14. Review status: criteria provided, single submitter. Criteria: LabCorp Variant Classification Summary - May 2015. Collection method: clinical testing. Allele origin: germline.
Comment: Variant summary: HESX1 c.475C>T (p.Arg159Trp) results in a non-conservative amino acid change located in the Homeodomain (Homeodomain) of the encoded protein sequence. Five of five in-silico tools predict a damaging effect of the variant on protein function. The variant allele was found at a frequency of 2e-05 in 250890 control chromosomes. The available data on variant occurrences in the general population are insufficient to allow any conclusion about variant significance. c.475C>T has been reported in the literature in at least one compound heterozygous individual affected with Combined Pituitary Hormone Deficiency and pituitary aplasia (e.g., Fang_2016). The variant has also been reported in a heterozygous individual with Septooptic dysplasia, however a second HESX1 variant was not described and segregation of the variant with disease was not demonstrated (e.g., Wojcik_2019, Pozzi_2017). At least two publications report experimental evidence evaluating an impact on protein function, demonstrating that the variant results in altered localization, reduced protein expresssion, and altered or abolished repressor activity, possibly due to altered DNA binding abilities (e.g., Fang_2016, Pozzi_2017). The following publications have been ascertained in the context of this evaluation (PMID: 27000987, 28396770, 31395954). ClinVar contains an entry for this variant (Variation ID: 1206790). Based on the evidence outlined above, the variant was classified as likely pathogenic.

Labcorp Genetics (formerly Invitae), Labcorp
Classification: Uncertain significance for GROWTH HORMONE DEFICIENCY WITH PITUITARY ANOMALIES; Septo-optic dysplasia sequence. Last evaluated: 2023-09-17. Review status: criteria provided, single submitter. Criteria: Invitae Variant Classification Sherloc (09022015). Collection method: clinical testing. Allele origin: germline.
Comment: ClinVar contains an entry for this variant (Variation ID: 1206790). In summary, the available evidence is currently insufficient to determine the role of this variant in disease. Therefore, it has been classified as a Variant of Uncertain Significance. Experimental studies have shown that this missense change affects HESX1 function (PMID: 27000987, 28396770). An algorithm developed to predict the effect of missense changes on protein structure and function (PolyPhen-2) suggests that this variant is likely to be disruptive. This missense change has been observed in individual(s) with clinical features of septo-optic dysplasia (PMID: 2700987, 28396770, 31395954). This variant is present in population databases (rs770886420, gnomAD 0.004%). This sequence change replaces arginine, which is basic and polar, with tryptophan, which is neutral and slightly polar, at codon 159 of the HESX1 protein (p.Arg159Trp).

Fulgent Genetics
Classification: Likely pathogenic for Septo-optic dysplasia sequence. Last evaluated: 2021-12-20. Review status: criteria provided, single submitter. Criteria: ACMG Guidelines, 2015. Collection method: clinical testing. Allele origin: unknown.

PreventionGenetics, part of Exact Sciences
Classification: Likely pathogenic for HESX1-related condition. Last evaluated: 2024-09-05. Review status: no assertion criteria provided. Collection method: clinical testing. Allele origin: germline. Not counted in ClinVar's aggregate classification.
Comment: The HESX1 c.475C>T variant is predicted to result in the amino acid substitution p.Arg159Trp. The variant c.475C>T has been identified in the compound heterozygous state in a patient with pituitary aplasia (PA) and combined pituitary hormone deficiency (CPHD, Fang et al. 2016. PMID: 27000987). Functional analysis in this study showed that the p.Arg159Trp substitution may reduce the expression of HESX1 protein and impair its DNA binding properties (Pozzi et al. 2017. PMID: 28396770). This variant is reported in 0.0044% of alleles in individuals of European (Non-Finnish) descent in gnomAD. This variant is interpreted as likely pathogenic.

Seattle Children's Hospital Molecular Genetics Laboratory, Seattle Children's Hospital
Classification: Likely pathogenic for Septo-optic dysplasia sequence. Review status: no assertion criteria provided. Collection method: clinical testing. Allele origin: germline. Affected: yes. Not counted in ClinVar's aggregate classification.

Literature cited by the submitters: PubMed 31395954 (cited by Women's Health and Genetics/Laboratory Corporation of America, LabCorp and Labcorp Genetics (formerly Invitae), Labcorp); PubMed 27000987 (cited by Women's Health and Genetics/Laboratory Corporation of America, LabCorp and Labcorp Genetics (formerly Invitae), Labcorp); PubMed 28396770 (cited by Women's Health and Genetics/Laboratory Corporation of America, LabCorp and Labcorp Genetics (formerly Invitae), Labcorp); PubMed 2700987 (cited by Labcorp Genetics (formerly Invitae), Labcorp).